The following is an entry in ClinVar:

ClinVar aggregate classification (germline): Conflicting classifications of pathogenicity. Review status: criteria provided, conflicting classifications (1 of 4 stars). 5 submissions from 5 submitters: Uncertain significance (3); Likely benign (1). 1 of the submissions does not count toward it. Last evaluated 2025-12-11.

Conditions:
ATP8A2-related disorder. Also called: ATP8A2-related condition.

Allele frequency attached by ClinVar (database versions not stated): ExAC 0.00035; 1000 Genomes Project 0.00100; gnomAD 0.00107 and 0.00111; 1000 Genomes Project 30x 0.00109; TOPMed 0.00128; ESP Exome Variant Server 0.00191.
gnomAD v4.1: 339 of 1,609,716 alleles (0.021%); highest among the groups gnomAD compares: African/African-American, 0.34%; no homozygotes.

Submissions (5):

Labcorp Genetics (formerly Invitae), Labcorp
Classification: Likely benign. Last evaluated: 2025-12-11. Review status: criteria provided, single submitter. Criteria: Invitae Variant Classification Sherloc (09022015). Collection method: clinical testing. Allele origin: germline.

Blueprint Genetics
Classification: Uncertain significance. Last evaluated: 2024-10-23. Review status: criteria provided, single submitter. Criteria: ACMG Guidelines, 2015. Collection method: clinical testing. Allele origin: germline.

GeneDx
Classification: Uncertain significance. Last evaluated: 2024-03-19. Review status: criteria provided, single submitter. Criteria: GeneDx Variant Classification Process June 2021. Collection method: clinical testing. Allele origin: germline. Affected: yes.
Comment: In silico analysis supports that this missense variant does not alter protein structure/function; Has not been previously published as pathogenic or benign to our knowledge

CeGaT Center for Human Genetics Tuebingen
Classification: Uncertain significance. Last evaluated: 2020-04-01. Review status: criteria provided, single submitter. Criteria: CeGaT Center For Human Genetics Tuebingen Variant Classification Criteria Version 2. Collection method: clinical testing. Allele origin: germline. Affected: yes. Observed: 1 variant allele.

PreventionGenetics, part of Exact Sciences
Classification: Likely benign for ATP8A2-related condition. Last evaluated: 2022-07-25. Review status: no assertion criteria provided. Collection method: clinical testing. Allele origin: germline. Not counted in ClinVar's aggregate classification.
Comment: This variant is classified as likely benign based on ACMG/AMP sequence variant interpretation guidelines (Richards et al. 2015 PMID: 25741868, with internal and published modifications).

NM_016529.6(ATP8A2):c.1469G>A (p.Arg490His)

Gene: ATP8A2 (ATPase phospholipid transporting 8A2). Cytogenetic location: 13q12.13.
Variant type: single nucleotide variant.
Coding change: c.1469G>A on transcript NM_016529.6 (MANE Select); coding-DNA position 1469, G replaced by A.
Protein change: p.Arg490His; replaces arginine 490 with histidine.
Molecular consequence: missense variant.
Genome position (GRCh38, 1-based): chr13:25,564,027, G>A. VCF-style: chr13-25564027-G-A. GRCh37 (hg19) VCF-style: chr13-26138165-G-A.
Other names: c.1469G>A (NM_016529.5, NM_016529.4); c.1349G>A, p.Arg450His (NM_001313741.1); short protein forms R490H, R450H.
Identifiers: ClinVar variation 932518 (VCV000932518.47), dbSNP rs201904651, ClinGen allele CA6922928.
Genomic context (GRCh38, chr13:25,564,027, plus strand): 5'-CTCCCTGTAGTGATTCCTGTGACTTTGATGACCCCAGGCTGTTGAAGAACATTGAGGATC[G>A]CCATGTAAGTGCTCTGTTTTACTTCGAAGACAGCAAACAGCTTACGGTGCAACTTTCTTT-3'
Protein context (NP_057613.4, residues 480-500): DPRLLKNIED[Arg490His]HPTAPCIQEF